The following is an entry in ClinVar:

ClinVar aggregate classification (germline): Likely benign (1 of 4 stars; one submission).

Allele frequency attached by ClinVar (database versions not stated): gnomAD exomes below 0.00001; TOPMed 0.00002.

Submission:

CeGaT Center for Human Genetics Tuebingen
Classification: Likely benign. Last evaluated: 2022-03-01. Review status: criteria provided, single submitter. Criteria: CeGaT Center For Human Genetics Tuebingen Variant Classification Criteria Version 2. Collection method: clinical testing. Allele origin: germline. Affected: yes. Observed: 1 variant allele.
Comment: DUSP6: PM2:Supporting, BP4, BP7

NM_001946.4(DUSP6):c.216G>T (p.Pro72=)

Genes: DUSP6 (dual specificity phosphatase 6; minus strand), POC1B-DUSP6 (POC1B-DUSP6 readthrough; minus strand). Cytogenetic location: 12q21.33.
Variant type: single nucleotide variant.
Coding change: c.216G>T on transcript NM_001946.4 (MANE Select); coding-DNA position 216, G replaced by T.
Protein change: p.Pro72=; no amino-acid change (proline 72 retained).
Molecular consequence: synonymous variant.
Genome position (GRCh38, 1-based): chr12:89,351,824, C>A on the plus strand (G>T on the coding strand, the complement: DUSP6 is on the minus strand). VCF-style: chr12-89351824-C-A. GRCh37 (hg19) VCF-style: chr12-89745601-C-A.
Other names: c.216G>T, p.Pro72= (NM_022652.4).
Identifiers: ClinVar variation 2643211 (VCV002643211.24), dbSNP rs1301220651, ClinGen allele CA481304721.